The following is an entry in ClinVar:

ClinVar aggregate classification (germline): Uncertain significance (1 of 4 stars; one submission).

Submission:

Labcorp Genetics (formerly Invitae), Labcorp
Classification: Uncertain significance. Last evaluated: 2021-10-21. Review status: criteria provided, single submitter. Criteria: Invitae Variant Classification Sherloc (09022015). Collection method: clinical testing. Allele origin: germline.
Comment: This sequence change replaces asparagine with lysine at codon 438 of the LRIT3 protein (p.Asn438Lys). The asparagine residue is weakly conserved and there is a moderate physicochemical difference between asparagine and lysine. This variant is not present in population databases (ExAC no frequency). This variant has not been reported in the literature in individuals affected with LRIT3-related conditions. Algorithms developed to predict the effect of missense changes on protein structure and function (SIFT, PolyPhen-2, Align-GVGD) all suggest that this variant is likely to be tolerated. In summary, the available evidence is currently insufficient to determine the role of this variant in disease. Therefore, it has been classified as a Variant of Uncertain Significance.

NM_198506.5(LRIT3):c.1314C>G (p.Asn438Lys)

Gene: LRIT3 (leucine rich repeat, Ig-like and transmembrane domains 3; plus strand). Cytogenetic location: 4q25.
Variant type: single nucleotide variant.
Coding change: c.1314C>G on transcript NM_198506.5 (MANE Select); coding-DNA position 1314, C replaced by G.
Protein change: p.Asn438Lys; replaces asparagine 438 with lysine.
Molecular consequence: missense variant.
Genome position (GRCh38, 1-based): chr4:109,870,063, C>G. VCF-style: chr4-109870063-C-G. GRCh37 (hg19) VCF-style: chr4-110791219-C-G.
Other names: short protein forms N438K.
Identifiers: ClinVar variation 1379182 (VCV001379182.3), dbSNP rs886058986, ClinGen allele CA357870726.